The following is an entry in ClinVar:

NM_001077653.2(TBX20):c.1291G>A (p.Ala431Thr)

Gene: TBX20 (T-box transcription factor 20; minus strand). Cytogenetic location: 7p14.2.
Variant type: single nucleotide variant.
Coding change: c.1291G>A on transcript NM_001077653.2 (MANE Select); coding-DNA position 1291, G replaced by A.
Protein change: p.Ala431Thr; replaces alanine 431 with threonine.
Molecular consequence: missense variant.
Genome position (GRCh38, 1-based): chr7:35,202,483, C>T on the plus strand (G>A on the coding strand, the complement: TBX20 is on the minus strand). VCF-style: chr7-35202483-C-T. GRCh37 (hg19) VCF-style: chr7-35242095-C-T.
Other names: short protein forms A431T.
Identifiers: ClinVar variation 4865340 (VCV004865340.1).

ClinVar aggregate classification (germline): Uncertain significance (1 of 4 stars; one submission).

Conditions:
Cardiovascular phenotype. Identifiers: MedGen CN230736.

Submission:

Ambry Genetics
Classification: Uncertain significance for Cardiovascular phenotype. Last evaluated: 2026-04-14. Review status: criteria provided, single submitter. Criteria: Ambry Variant Classification Scheme 2023. Collection method: clinical testing. Allele origin: germline.
Comment: The p.A431T variant (also known as c.1291G>A), located in coding exon 8 of the TBX20 gene, results from a G to A substitution at nucleotide position 1291. The alanine at codon 431 is replaced by threonine, an amino acid with similar properties. This amino acid position is conserved. In addition, the in silico prediction for this alteration is inconclusive. Based on the available evidence, the clinical significance of this variant remains unclear.